The following is an entry in ClinVar:

NM_178425.4(HDAC9):c.3022+17C>T

Gene: HDAC9 (histone deacetylase 9; plus strand). Cytogenetic location: 7p21.1.
Variant type: single nucleotide variant.
Coding change: c.3022+17C>T on transcript NM_178425.4 (MANE Select); 17 bases into the intron after coding-DNA position 3022, C replaced by T.
Molecular consequence: intron variant. On other transcripts: synonymous variant (1).
Genome position (GRCh38, 1-based): chr7:18,954,247, C>T. VCF-style: chr7-18954247-C-T. GRCh37 (hg19) VCF-style: chr7-18993870-C-T.
Other names: c.3030C>T, p.Phe1010= (NM_058176.2); c.2947+17C>T (NM_001321868.2); c.2890+17C>T (NM_001321877.2, NM_001321897.2); c.3013+17C>T (NM_178423.3).
Identifiers: ClinVar variation 402925 (VCV000402925.4), dbSNP rs2389998, ClinGen allele CA4174363.

ClinVar aggregate classification (germline): Benign (1 of 4 stars; one submission).

Allele frequency attached by ClinVar (database versions not stated): gnomAD exomes 0.75757 and 0.77614; ExAC 0.76792; ESP Exome Variant Server 0.76875; 1000 Genomes Project 0.77356; gnomAD 0.77556 and 0.77608; TOPMed 0.77820; 1000 Genomes Project 30x 0.78170.
gnomAD v4.1: 1,039,664 of 1,368,696 alleles (76%); highest among the groups gnomAD compares: Admixed American, 85%; 395,978 homozygotes.

Submission:

Laboratory for Molecular Medicine, Mass General Brigham Personalized Medicine
Classification: Benign. Last evaluated: 2016-03-28. Review status: criteria provided, single submitter. Criteria: LMM Criteria. Collection method: clinical testing. Allele origin: germline.
Comment: Variant identified in a genome or exome case(s) and assessed due to predicted null impact of the variant or pathogenic assertions in the literature or databases. Disclaimer: This variant has not undergone full assessment. The following are preliminary notes: Frequency